The following is an entry in ClinVar:

NM_004415.4(DSP):c.5212C>T (p.Arg1738Ter)

Gene: DSP (desmoplakin; plus strand). Cytogenetic location: 6p24.3.
Variant type: single nucleotide variant.
Coding change: c.5212C>T on transcript NM_004415.4 (MANE Select); coding-DNA position 5212, C replaced by T.
Protein change: p.Arg1738Ter; replaces arginine 1738 with a stop codon.
Molecular consequence: nonsense. On other transcripts: intron variant (2).
Genome position (GRCh38, 1-based): chr6:7,581,402, C>T. VCF-style: chr6-7581402-C-T. GRCh37 (hg19) VCF-style: chr6-7581635-C-T.
Other names: p.Arg1738*; c.5212C>T (LRG_423t1, NM_004415.3); c.4050+1162C>T (NM_001319034.2); c.3583-1240C>T (NM_001008844.3); short protein forms R1738*.
Identifiers: ClinVar variation 199890 (VCV000199890.26), dbSNP rs794728124, ClinGen allele CA004601.

ClinVar aggregate classification (germline): Pathogenic. Review status: criteria provided, multiple submitters, no conflicts (2 of 4 stars). 8 submissions from 8 submitters: Pathogenic (8). Last evaluated 2026-07-27.

Conditions:
DSP-related disorder. Also called: DSP-related condition; DSP-related disorders.
Cardiovascular phenotype. Identifiers: MedGen CN230736.
Arrhythmogenic right ventricular dysplasia 8 (ARVD8). Also called: ARRHYTHMOGENIC RIGHT VENTRICULAR DYSPLASIA, FAMILIAL, 8; Arrhythmogenic Right Ventricular Dysplasia/Cardiomyopathy 8; ARRHYTHMOGENIC RIGHT VENTRICULAR CARDIOMYOPATHY 8. Identifiers: MedGen C1843896, MONDO:0011831, OMIM 607450.
Arrhythmogenic cardiomyopathy with wooly hair and keratoderma. Also called: Arrhythmogenic cardiomyopathy with woolly hair and keratoderma; PALMOPLANTAR KERATODERMA WITH LEFT VENTRICULAR CARDIOMYOPATHY AND WOOLLY HAIR; Dilated cardiomyopathy with woolly hair and keratoderma; Carvajal syndrome. Identifiers: Orphanet 65282, MedGen C1854063, MONDO:0011581, OMIM 605676.
Cardiomyopathy (CMYO). Also called: Cardiomyopathies. Identifiers: Orphanet 167848, MedGen C0878544, MONDO:0004994, HP:0001638. Inheritance: Various modes of inheritance.

Allele frequency attached by ClinVar (database versions not stated): gnomAD exomes below 0.00001; TOPMed below 0.00001.
gnomAD v4.1: 5 of 1,613,586 alleles (0.00031%); highest among the groups gnomAD compares: African/African-American, 0.0013%; no homozygotes.

Submissions (8):

PreventionGenetics, part of Exact Sciences
Classification: Pathogenic for DSP-related condition. Last evaluated: 2026-07-27. Review status: criteria provided, single submitter. Criteria: ACMG Guidelines, 2015. Collection method: clinical testing. Allele origin: germline.
Comment: The DSP c.5212C>T variant is predicted to result in premature protein termination (p.Arg1738*). This variant has been reported in multiple individuals with desmoplakin cardiomyopathy (see for example: Table S3, Groeneweg et al. 2015. PubMed ID: 25820315; Voinescu et al. 2024. PubMed ID: 38473809). This variant is reported in 0.011% of alleles in individuals of African descent in gnomAD. Nonsense variants in DSP are expected to be pathogenic. This variant is interpreted as pathogenic.

Labcorp Genetics (formerly Invitae), Labcorp
Classification: Pathogenic for Arrhythmogenic cardiomyopathy with wooly hair and keratoderma; Arrhythmogenic right ventricular dysplasia 8. Last evaluated: 2025-11-05. Review status: criteria provided, single submitter. Criteria: Invitae Variant Classification Sherloc (09022015). Collection method: clinical testing. Allele origin: germline.
Comment: This sequence change creates a premature translational stop signal (p.Arg1738*) in the DSP gene. It is expected to result in an absent or disrupted protein product. Loss-of-function variants in DSP are known to be pathogenic (PMID: 20716751, 24503780, 25227139, 30398466). The frequency data for this variant in the population databases is considered unreliable, as metrics indicate poor data quality at this position in the gnomAD database. This premature translational stop signal has been observed in individual(s) with arrhythmogenic right ventricular cardiomyopathy (PMID: 25616645). ClinVar contains an entry for this variant (Variation ID: 199890). For these reasons, this variant has been classified as Pathogenic.

Ambry Genetics
Classification: Pathogenic for Cardiovascular phenotype. Last evaluated: 2025-07-18. Review status: criteria provided, single submitter. Criteria: Ambry Variant Classification Scheme 2023. Collection method: clinical testing. Allele origin: germline.
Comment: The p.R1738* pathogenic mutation (also known as c.5212C>T), located in coding exon 23 of the DSP gene, results from a C to T substitution at nucleotide position 5212. This changes the amino acid from an arginine to a stop codon within coding exon 23. This alteration has been reported in arrhythmogenic right ventricular cardiomyopathy (ARVC) cohorts (Bhonsale A. Eur. Heart J. 2015 Apr;36(14):847-55; Te Riele ASJM et al. JACC Clin Electrophysiol, 2015 Dec;1:551-560). This alteration is expected to result in loss of function by premature protein truncation or nonsense-mediated mRNA decay. As such, this alteration is interpreted as a disease-causing mutation.

All of Us Research Program, National Institutes of Health
Classification: Pathogenic for Arrhythmogenic cardiomyopathy with wooly hair and keratoderma. Last evaluated: 2024-01-22. Review status: criteria provided, single submitter. Criteria: ACMG Guidelines, 2015. Collection method: clinical testing. Allele origin: germline. Inheritance: Autosomal dominant inheritance. Observed: 1 variant allele, 1 heterozygote.
Comment: This variant changes 1 nucleotide in exon 23 of the DSP gene, creating a premature translation stop signal. This variant is expected to result in an absent or non-functional protein product. To our knowledge, functional studies have not been reported for this variant. This variant has been reported in individuals affected with arrhythmogenic right ventricular cardiomyopathy (PMID: 25616645, 25820315, 28588093) or the left-dominant form of this disease (PMID: 32592540). This variant has not been identified in the general population by the Genome Aggregation Database (gnomAD). Loss of DSP function is a known mechanism of disease. Based on the available evidence, this variant is classified as Pathogenic.

This study involves interpretation of variants in research participants for the purpose of population health screening. Participant phenotype was not available at the time of variant classification. Additional details can be found in publication PMID: 35346344, PMCID: PMC8962531

Color Diagnostics, LLC DBA Color Health
Classification: Pathogenic for Cardiomyopathy. Last evaluated: 2023-11-29. Review status: criteria provided, single submitter. Criteria: ACMG Guidelines, 2015. Collection method: clinical testing. Allele origin: germline.
Comment: This variant changes 1 nucleotide in exon 23 of the DSP gene, creating a premature translation stop signal. This variant is expected to result in an absent or non-functional protein product. To our knowledge, functional studies have not been reported for this variant. This variant has been reported in individuals affected with arrhythmogenic right ventricular cardiomyopathy (PMID: 25616645, 25820315, 28588093) or the left-dominant form of this disease (PMID: 32592540). This variant has not been identified in the general population by the Genome Aggregation Database (gnomAD). Loss of DSP function is a known mechanism of disease. Based on the available evidence, this variant is classified as Pathogenic.

Human Genome Sequencing Center Clinical Lab, Baylor College of Medicine
Classification: Pathogenic for Arrhythmogenic right ventricular dysplasia 8. Last evaluated: 2023-10-27. Review status: criteria provided, single submitter. Criteria: ACMG Guidelines, 2015. Collection method: clinical testing. Allele origin: unknown.
Comment: The c.5212C>T (p.Arg1738*) variant in the DSP gene causes a premature termination at codon 1738. This change is predicted to result in an absent or disrupted protein product. This variant has been observed in individuals with arrhythmogenic right ventricular cardiomyopathy (ARVC) and dilated cardiomyopathy (DCM) (PMID: 25616645, 29759408, 25820315, 32592540, 35083019). Loss-of-function variants in DSP are known to be pathogenic (PMID: 20716751, 24503780, 25227139). Therefore, the c.5212C>T (p.Arg1738*) variant in the DSP gene has been classified as pathogenic.

Mayo Clinic Laboratories, Mayo Clinic
Classification: Pathogenic. Last evaluated: 2023-04-24. Review status: criteria provided, single submitter. Criteria: ACMG Guidelines, 2015. Collection method: clinical testing. Allele origin: germline. Observed: 1 variant allele.
Comment: PM2_supporting, PS4_moderate, PVS1

Juno Genomics, Hangzhou Juno Genomics, Inc
Classification: Pathogenic for Arrhythmogenic right ventricular dysplasia 8. Review status: criteria provided, single submitter. Criteria: ACMG Guidelines, 2015. Collection method: clinical testing. Allele origin: germline.
Comment: Absent from controls (or at extremely low frequency if recessive) in Genome Aggregation Database.;Null variant in a gene where loss of function (LOF) is a known mechanism of disease.;The prevalence of the variant in affected individuals is significantly increased compared to the prevalence in controls.

Literature cited by the submitters: PubMed 20716751 (cited by Labcorp Genetics (formerly Invitae), Labcorp); PubMed 24503780 (cited by Labcorp Genetics (formerly Invitae), Labcorp); PubMed 25227139 (cited by Labcorp Genetics (formerly Invitae), Labcorp); PubMed 30398466 (cited by Labcorp Genetics (formerly Invitae), Labcorp); PubMed 25616645 (cited by 4 submitters); PubMed 26314686 (cited by Ambry Genetics and Mayo Clinic Laboratories, Mayo Clinic); PubMed 29759408 (cited by Ambry Genetics and Mayo Clinic Laboratories, Mayo Clinic); PubMed 25820315 (cited by All of Us Research Program, National Institutes of Health and Color Diagnostics, LLC DBA Color Health); PubMed 28588093 (cited by All of Us Research Program, National Institutes of Health and Color Diagnostics, LLC DBA Color Health); PubMed 32592540 (cited by 3 submitters); PubMed 31386562 (cited by Mayo Clinic Laboratories, Mayo Clinic); PubMed 33460606 (cited by Mayo Clinic Laboratories, Mayo Clinic); PubMed 34352074 (cited by Mayo Clinic Laboratories, Mayo Clinic); PubMed 35083019 (cited by Mayo Clinic Laboratories, Mayo Clinic).